The following is an entry in ClinVar:

ClinVar aggregate classification (germline): Likely pathogenic. Review status: criteria provided, multiple submitters, no conflicts (2 of 4 stars). 2 submissions from 2 submitters: Likely pathogenic (2). Last evaluated 2024-10-11.

Conditions:
Cardiovascular phenotype. Identifiers: MedGen CN230736.
Hereditary cancer-predisposing syndrome. Also called: Hereditary neoplastic syndrome; Tumor predisposition; Hereditary Cancer Syndrome; Neoplastic Syndromes, Hereditary. Identifiers: Orphanet 140162, MedGen C0027672, MeSH D009386, MONDO:0015356.

Submissions (2):

Ambry Genetics
Classification: Likely pathogenic for Cardiovascular phenotype; Hereditary cancer-predisposing syndrome. Last evaluated: 2024-10-11. Review status: criteria provided, single submitter. Criteria: Ambry Variant Classification Scheme 2023. Collection method: clinical testing. Allele origin: germline.
Comment: The c.651+2T>A intronic variant results from a T to A substitution two nucleotides after coding exon 7 in the LZTR1 gene. This variant is considered to be rare based on population cohorts in the Genome Aggregation Database (gnomAD). This nucleotide position is well conserved in available vertebrate species. In silico splice site analysis predicts that this alteration will weaken the native splice donor site and may result in the creation or strengthening of a novel splice donor site. Alterations that disrupt the canonical splice site are expected to cause aberrant splicing, resulting in an abnormal protein or a transcript that is subject to nonsense-mediated mRNA decay. RNA studies have demonstrated that this alteration results in abnormal splicing in the set of samples tested (Ambry internal data). Loss-of-function variants in LZTR1 are related to an increased risk for schwannomas and autosomal recessive Noonan syndrome; however, such associations with autosomal dominant Noonan syndrome have not been observed (Piotrowski A et al. Nat Genet. 2014 Feb;46:182-7; Yamamoto GL et al. J Med Genet. 2015 Jun;52:413-21; Johnston JJ et al. Genet Med. 2018 10;20:1175-1185). Based on the supporting evidence, this variant is likely pathogenic for an increased risk of LZTR1-related schwannomatosis (SWN) and would be expected to cause autosomal recessive Noonan syndrome when present along with a second pathogenic or likely pathogenic variant on the other allele; however, the association of this alteration with autosomal dominant Noonan syndrome is unlikely.

Labcorp Genetics (formerly Invitae), Labcorp
Classification: Likely pathogenic. Last evaluated: 2022-09-20. Review status: criteria provided, single submitter. Criteria: Invitae Variant Classification Sherloc (09022015). Collection method: clinical testing. Allele origin: germline.
Comment: Disruption of this splice site has been observed in individual(s) with congenital heart disease (PMID: 33084842). This variant is not present in population databases (gnomAD no frequency). This sequence change affects a donor splice site in intron 7 of the LZTR1 gene. It is expected to disrupt RNA splicing. Variants that disrupt the donor or acceptor splice site typically lead to a loss of protein function (PMID: 16199547), and loss-of-function variants in LZTR1 are known to be pathogenic (PMID: 24362817, 25335493, 25480913, 25795793, 29469822, 30368668, 30442762, 30442766, 30481304, 30859559). Algorithms developed to predict the effect of sequence changes on RNA splicing suggest that this variant may disrupt the consensus splice site. In summary, the currently available evidence indicates that the variant is pathogenic, but additional data are needed to prove that conclusively. Therefore, this variant has been classified as Likely Pathogenic.

Literature cited by the submitters: PubMed 33084842 (cited by Labcorp Genetics (formerly Invitae), Labcorp); PubMed 16199547 (cited by Labcorp Genetics (formerly Invitae), Labcorp); PubMed 24362817 (cited by Labcorp Genetics (formerly Invitae), Labcorp); PubMed 25335493 (cited by Labcorp Genetics (formerly Invitae), Labcorp); PubMed 25480913 (cited by Labcorp Genetics (formerly Invitae), Labcorp); PubMed 25795793 (cited by Labcorp Genetics (formerly Invitae), Labcorp); PubMed 29469822 (cited by Labcorp Genetics (formerly Invitae), Labcorp); PubMed 30368668 (cited by Labcorp Genetics (formerly Invitae), Labcorp); PubMed 30442762 (cited by Labcorp Genetics (formerly Invitae), Labcorp); PubMed 30442766 (cited by Labcorp Genetics (formerly Invitae), Labcorp); PubMed 30481304 (cited by Labcorp Genetics (formerly Invitae), Labcorp); PubMed 30859559 (cited by Labcorp Genetics (formerly Invitae), Labcorp).

NM_006767.4(LZTR1):c.651+2T>A

Gene: LZTR1 (leucine zipper like post translational regulator 1; plus strand). Cytogenetic location: 22q11.21.
Variant type: single nucleotide variant.
Coding change: c.651+2T>A on transcript NM_006767.4 (MANE Select); the canonical splice donor site of the intron after coding-DNA position 651, T replaced by A.
Molecular consequence: splice donor variant.
Genome position (GRCh38, 1-based): chr22:20,989,684, T>A. VCF-style: chr22-20989684-T-A. GRCh37 (hg19) VCF-style: chr22-21343973-T-A.
Other names: c.651+2T>A (NM_006767.3).
Identifiers: ClinVar variation 2124522 (VCV002124522.5), dbSNP rs1310952470, ClinGen allele CA410780399.